The following is an entry in ClinVar:

NM_000336.3(SCNN1B):c.1560G>C (p.Ser520=)

Gene: SCNN1B (sodium channel epithelial 1 subunit beta; plus strand). Cytogenetic location: 16p12.2.
Variant type: single nucleotide variant.
Coding change: c.1560G>C on transcript NM_000336.3 (MANE Select); coding-DNA position 1560, G replaced by C.
Protein change: p.Ser520=; no amino-acid change (serine 520 retained).
Molecular consequence: synonymous variant.
Genome position (GRCh38, 1-based): chr16:23,380,438, G>C. VCF-style: chr16-23380438-G-C. GRCh37 (hg19) VCF-style: chr16-23391759-G-C.
Identifiers: ClinVar variation 884705 (VCV000884705.4), dbSNP rs146440372, ClinGen allele CA7960583.

ClinVar aggregate classification (germline): Conflicting classifications of pathogenicity. Review status: criteria provided, conflicting classifications (1 of 4 stars). 3 submissions from 1 submitter: Uncertain significance (1); Benign (2). Last evaluated 2018-01-13.

Conditions:
Bronchiectasis with or without elevated sweat chloride 1 (BESC1). Also called: Cystic Fibrosis-Like Syndrome. Identifiers: Orphanet 60033, MedGen C2749757, MONDO:0008887, OMIM 211400.
Pseudohypoaldosteronism, type IB1, autosomal recessive. Also called: Pseudohypoaldosteronism, Type I, Recessive; Autosomal recessive pseudohypoaldosteronism type 1; Pseudohypoaldosteronism, Type I, Autosomal Recessive; PHA I, AUTOSOMAL RECESSIVE. Identifiers: Orphanet 171876, Orphanet 756, MedGen C5774176, MONDO:0009917, OMIM 264350.
Liddle syndrome 1 (LIDLS1). Also called: PSEUDOALDOSTERONISM. Identifiers: Orphanet 526, MedGen CN031472, MONDO:0020607, OMIM 177200.

Allele frequency attached by ClinVar (database versions not stated): TOPMed 0.00003; 1000 Genomes Project 30x 0.00016; 1000 Genomes Project 0.00020.
gnomAD v4.1: 162 of 1,614,182 alleles (0.01%); highest among the groups gnomAD compares: East Asian, 0.35%; 1 homozygote.

Submissions (3):

Illumina Laboratory Services, Illumina
Classification: Benign for Liddle syndrome 1. Last evaluated: 2018-01-13. Review status: criteria provided, single submitter. Criteria: ICSL Variant Classification Criteria 13 December 2019. Collection method: clinical testing. Allele origin: germline.
Comment: This variant was observed in the ICSL laboratory as part of a predisposition screen in an ostensibly healthy population. It had not been previously curated by ICSL or reported in the Human Gene Mutation Database (HGMD: prior to June 1st, 2018), and was therefore a candidate for classification through an automated scoring system. Utilizing variant allele frequency, disease prevalence and penetrance estimates, and inheritance mode, an automated score was calculated to assess if this variant is too frequent to cause the disease. Based on the score and internal cut-off values, a variant classified as benign is not then subjected to further curation. The score for this variant resulted in a classification of benign for this disease.

Illumina Laboratory Services, Illumina
Classification: Benign for Bronchiectasis with or without elevated sweat chloride 1. Last evaluated: 2018-01-13. Review status: criteria provided, single submitter. Criteria: ICSL Variant Classification Criteria 13 December 2019. Collection method: clinical testing. Allele origin: germline.
Comment: the same text as in the submission from Illumina Laboratory Services, Illumina above.

Illumina Laboratory Services, Illumina
Classification: Uncertain significance for Pseudohypoaldosteronism, type IB1, autosomal recessive. Last evaluated: 2018-01-13. Review status: criteria provided, single submitter. Criteria: ICSL Variant Classification Criteria 13 December 2019. Collection method: clinical testing. Allele origin: germline.